The following is an entry in ClinVar:

NM_002336.3(LRP6):c.2245A>T (p.Ser749Cys)

Gene: LRP6 (LDL receptor related protein 6; minus strand). Cytogenetic location: 12p13.2.
Variant type: single nucleotide variant.
Coding change: c.2245A>T on transcript NM_002336.3 (MANE Select); coding-DNA position 2245, A replaced by T.
Protein change: p.Ser749Cys; replaces serine 749 with cysteine.
Molecular consequence: missense variant.
Genome position (GRCh38, 1-based): chr12:12,162,227, T>A on the plus strand (A>T on the coding strand, the complement: LRP6 is on the minus strand). VCF-style: chr12-12162227-T-A. GRCh37 (hg19) VCF-style: chr12-12315161-T-A.
Other names: c.2245A>T, p.Ser749Cys (NM_001414245.1, NM_001414246.1, NM_001414248.1 and 4 more transcripts); c.2047A>T, p.Ser683Cys (NM_001414247.1); c.1792A>T, p.Ser598Cys (NM_001414252.1, NM_001414253.1, NM_001414254.1); c.1738A>T, p.Ser580Cys (NM_001414255.1); c.2245A>T (NM_002336.2); short protein forms S683C, S749C, S580C, S598C.
Identifiers: ClinVar variation 2083239 (VCV002083239.5), dbSNP rs758891001, ClinGen allele CA6455507.
Genomic context (GRCh38, chr12:12,162,227, plus strand): 5'-AAGAATGCACATGTAAAGCTGTTTACCCTTCGGCAGGGTCCAACGCGAGAGCTCTGGGAC[T>A]ATCTAGGTCTTTCCACACCAAAACTTGTCGGTGCTGCCCATCCAACTTTGACACCTCAAT-3'
Protein context (NP_002327.2, residues 739-759): RQVLVWKDLD[Ser749Cys]PRALALDPAE

ClinVar aggregate classification (germline): Uncertain significance. Review status: criteria provided, multiple submitters, no conflicts (2 of 4 stars). 2 submissions from 2 submitters: Uncertain significance (2). Last evaluated 2024-01-17.

Conditions:
Inborn genetic diseases. Identifiers: MedGen C0950123, MeSH D030342.

Allele frequency attached by ClinVar (database versions not stated): gnomAD exomes below 0.00001; ExAC 0.00001; gnomAD 0.00001; TOPMed 0.00001.
gnomAD v4.1: 2 of 1,614,084 alleles (0.00012%); highest among the groups gnomAD compares: Admixed American, 0.0033%; no homozygotes.

Submissions (2):

Ambry Genetics
Classification: Uncertain significance for Inborn genetic diseases. Last evaluated: 2024-01-17. Review status: criteria provided, single submitter. Criteria: Ambry Variant Classification Scheme 2023. Collection method: clinical testing. Allele origin: germline.

Labcorp Genetics (formerly Invitae), Labcorp
Classification: Uncertain significance. Last evaluated: 2022-08-12. Review status: criteria provided, single submitter. Criteria: Invitae Variant Classification Sherloc (09022015). Collection method: clinical testing. Allele origin: germline.
Comment: In summary, the available evidence is currently insufficient to determine the role of this variant in disease. Therefore, it has been classified as a Variant of Uncertain Significance. Algorithms developed to predict the effect of missense changes on protein structure and function (SIFT, PolyPhen-2, Align-GVGD) all suggest that this variant is likely to be disruptive. This variant has not been reported in the literature in individuals affected with LRP6-related conditions. This variant is present in population databases (rs758891001, gnomAD 0.003%). This sequence change replaces serine, which is neutral and polar, with cysteine, which is neutral and slightly polar, at codon 749 of the LRP6 protein (p.Ser749Cys).